The following is an entry in ClinVar:

ClinVar aggregate classification (germline): Uncertain significance (1 of 4 stars; one submission).

Allele frequency attached by ClinVar (database versions not stated): TOPMed 0.00001.
gnomAD v4.1: 4 of 1,609,446 alleles (0.00025%); highest among the groups gnomAD compares: Non-Finnish European, 0.00034%; no homozygotes.

Submission:

Labcorp Genetics (formerly Invitae), Labcorp
Classification: Uncertain significance. Last evaluated: 2023-09-09. Review status: criteria provided, single submitter. Criteria: Invitae Variant Classification Sherloc (09022015). Collection method: clinical testing. Allele origin: germline.
Comment: In summary, the available evidence is currently insufficient to determine the role of this variant in disease. Therefore, it has been classified as a Variant of Uncertain Significance. Algorithms developed to predict the effect of missense changes on protein structure and function output the following: SIFT: "Not Available"; PolyPhen-2: "Probably Damaging"; Align-GVGD: "Not Available". The histidine amino acid residue is found in multiple mammalian species, which suggests that this missense change does not adversely affect protein function. This variant has not been reported in the literature in individuals affected with CARD8-related conditions. This variant is not present in population databases (gnomAD no frequency). This sequence change replaces arginine, which is basic and polar, with histidine, which is basic and polar, at codon 308 of the CARD8 protein (p.Arg308His).

NM_001184900.3(CARD8):c.1073G>A (p.Arg358His)

Gene: CARD8 (caspase recruitment domain family member 8; minus strand). Cytogenetic location: 19q13.33.
Variant type: single nucleotide variant.
Coding change: c.1073G>A on transcript NM_001184900.3 (MANE Select); coding-DNA position 1073, G replaced by A.
Protein change: p.Arg358His; replaces arginine 358 with histidine.
Molecular consequence: missense variant. On other transcripts: non-coding transcript variant (3).
Genome position (GRCh38, 1-based): chr19:48,221,818, C>T on the plus strand (G>A on the coding strand, the complement: CARD8 is on the minus strand). VCF-style: chr19-48221818-C-T. GRCh37 (hg19) VCF-style: chr19-48725075-C-T.
Other names: c.923G>A, p.Arg308His (NM_001184901.1, NM_001351783.2, NM_001351788.2 and 2 more transcripts); c.1073G>A, p.Arg358His (NM_001184902.2, NM_001184903.1, NM_001351782.2); c.758G>A, p.Arg253His (NM_001351784.2, NM_001351787.2, NM_001351791.2 and 1 more transcripts); c.737G>A, p.Arg246His (NM_001351786.2); c.830G>A, p.Arg277His (NM_001351790.2); c.755G>A, p.Arg252His (NM_001365950.1); c.248G>A, p.Arg83His (NM_001426741.1); short protein forms R83H, R252H, R253H, R246H, R277H, R308H, R358H.
Identifiers: ClinVar variation 3015328 (VCV003015328.3), dbSNP rs1490315839, ClinGen allele CA406665335.